The following is an entry in ClinVar:

ClinVar aggregate classification (germline): Likely benign (1 of 4 stars; one submission).

Conditions:
Griscelli syndrome type 2 (GS2). Also called: GRISCELLI SYNDROME WITH HEMOPHAGOCYTIC SYNDROME; PAID SYNDROME; PARTIAL ALBINISM AND IMMUNODEFICIENCY SYNDROME. Identifiers: Orphanet 381, Orphanet 79477, MedGen C1868679, MONDO:0011872, OMIM 607624.

Allele frequency attached by ClinVar (database versions not stated): 1000 Genomes Project 0.00120; 1000 Genomes Project 30x 0.00125; gnomAD 0.00165 and 0.00166; TOPMed 0.00204.

Submission:

Illumina Laboratory Services, Illumina
Classification: Likely benign for Griscelli syndrome type 2. Last evaluated: 2018-01-13. Review status: criteria provided, single submitter. Criteria: ICSL Variant Classification Criteria 13 December 2019. Collection method: clinical testing. Allele origin: germline.
Comment: This variant was observed in the ICSL laboratory as part of a predisposition screen in an ostensibly healthy population. It had not been previously curated by ICSL or reported in the Human Gene Mutation Database (HGMD: prior to June 1st, 2018), and was therefore a candidate for classification through an automated scoring system. Utilizing variant allele frequency, disease prevalence and penetrance estimates, and inheritance mode, an automated score was calculated to assess if this variant is too frequent to cause the disease. Based on the score and internal cut-off values, a variant classified as likely benign is not then subjected to further curation. The score for this variant resulted in a classification of likely benign for this disease.

NM_183235.3(RAB27A):c.-142-86A>T

Gene: RAB27A (RAB27A, member RAS oncogene family; minus strand). Cytogenetic location: 15q21.3.
Variant type: single nucleotide variant.
Coding change: c.-142-86A>T on transcript NM_183235.3 (MANE Select); 86 bases into the intron before 142 bases upstream of the start codon, A replaced by T.
Molecular consequence: intron variant. On other transcripts: 5 prime UTR variant (1).
Genome position (GRCh38, 1-based): chr15:55,270,370, T>A on the plus strand (A>T on the coding strand, the complement: RAB27A is on the minus strand). VCF-style: chr15-55270370-T-A. GRCh37 (hg19) VCF-style: chr15-55562568-T-A.
Other names: c.-228A>T (NM_004580.5); c.-142-86A>T (NM_183236.3).
Identifiers: ClinVar variation 885950 (VCV000885950.4), dbSNP rs191174694, ClinGen allele CA270764911.